The following is an entry in ClinVar:

NM_000053.4(ATP7B):c.3580A>G (p.Ile1194Val)

Gene: ATP7B (ATPase copper transporting beta; minus strand). Cytogenetic location: 13q14.3.
Variant type: single nucleotide variant.
Coding change: c.3580A>G on transcript NM_000053.4 (MANE Select); coding-DNA position 3580, A replaced by G.
Protein change: p.Ile1194Val; replaces isoleucine 1194 with valine.
Molecular consequence: missense variant.
Genome position (GRCh38, 1-based): chr13:51,939,170, T>C on the plus strand (A>G on the coding strand, the complement: ATP7B is on the minus strand). VCF-style: chr13-51939170-T-C. GRCh37 (hg19) VCF-style: chr13-52513306-T-C.
Other names: c.2959A>G, p.Ile987Val (NM_001005918.3); c.3247A>G, p.Ile1083Val (NM_001243182.2); c.3346A>G, p.Ile1116Val (NM_001330578.2); c.3328A>G, p.Ile1110Val (NM_001330579.2); short protein forms I1083V, I1110V, I1116V, I1194V, I987V.
Identifiers: ClinVar variation 1308069 (VCV001308069.6), dbSNP rs745679410, ClinGen allele CA6988631.

ClinVar aggregate classification (germline): Uncertain significance. Review status: criteria provided, multiple submitters, no conflicts (2 of 4 stars). 5 submissions from 5 submitters: Uncertain significance (5). Last evaluated 2025-08-28.

Conditions:
Wilson disease (WND). Also called: Wilson's disease. Identifiers: Orphanet 905, MedGen C0019202, MONDO:0010200, OMIM 277900. Disease mechanism: loss of function.

Allele frequency attached by ClinVar (database versions not stated): gnomAD 0.00001; gnomAD exomes 0.00002 and 0.00004; TOPMed 0.00002; ExAC 0.00006.
gnomAD v4.1: 34 of 1,613,838 alleles (0.0021%); highest among the groups gnomAD compares: Middle Eastern, 0.033%; no homozygotes.

Submissions (5):

Color Diagnostics, LLC DBA Color Health
Classification: Uncertain significance for Wilson disease. Last evaluated: 2025-08-28. Review status: criteria provided, single submitter. Criteria: ACMG Guidelines, 2015. Collection method: clinical testing. Allele origin: germline.
Comment: This missense variant replaces isoleucine with valine at codon 1194 of the ATP7B protein. Computational prediction is inconclusive regarding the impact of this variant on protein structure and function. To our knowledge, functional studies have not been reported for this variant. This variant has not been reported in individuals affected with Wilson disease in the literature. This variant has been identified in 11/249210 chromosomes in the general population by the Genome Aggregation Database (gnomAD). The available evidence is insufficient to determine the role of this variant in disease conclusively. Therefore, this variant is classified as a Variant of Uncertain Significance.

All of Us Research Program, National Institutes of Health
Classification: Uncertain significance for Wilson disease. Last evaluated: 2023-09-17. Review status: criteria provided, single submitter. Criteria: ACMG Guidelines, 2015. Collection method: clinical testing. Allele origin: germline. Inheritance: Autosomal recessive inheritance. Observed: 5 variant alleles, 5 heterozygotes.
Comment: This missense variant replaces isoleucine with valine at codon 1194 of the ATP7B protein. Computational prediction is inconclusive regarding the impact of this variant on protein structure and function (internally defined REVEL score threshold 0.5 < inconclusive < 0.7, PMID: 27666373). To our knowledge, functional studies have not been reported for this variant. This variant has not been reported in individuals affected with Wilson disease in the literature. This variant has been identified in 11/249210 chromosomes in the general population by the Genome Aggregation Database (gnomAD). The available evidence is insufficient to determine the role of this variant in disease conclusively. Therefore, this variant is classified as a Variant of Uncertain Significance.

This study involves interpretation of variants in research participants for the purpose of population health screening. Participant phenotype was not available at the time of variant classification. Additional details can be found in publication PMID: 35346344, PMCID: PMC8962531

Labcorp Genetics (formerly Invitae), Labcorp
Classification: Uncertain significance for Wilson disease. Last evaluated: 2022-07-23. Review status: criteria provided, single submitter. Criteria: Invitae Variant Classification Sherloc (09022015). Collection method: clinical testing. Allele origin: germline.
Comment: This sequence change replaces isoleucine, which is neutral and non-polar, with valine, which is neutral and non-polar, at codon 1194 of the ATP7B protein (p.Ile1194Val). This variant is present in population databases (rs745679410, gnomAD 0.01%). This variant has not been reported in the literature in individuals affected with ATP7B-related conditions. ClinVar contains an entry for this variant (Variation ID: 1308069). Advanced modeling of protein sequence and biophysical properties (such as structural, functional, and spatial information, amino acid conservation, physicochemical variation, residue mobility, and thermodynamic stability) performed at Invitae indicates that this missense variant is not expected to disrupt ATP7B protein function. Algorithms developed to predict the effect of sequence changes on RNA splicing suggest that this variant may create or strengthen a splice site. In summary, the available evidence is currently insufficient to determine the role of this variant in disease. Therefore, it has been classified as a Variant of Uncertain Significance.

Fulgent Genetics
Classification: Uncertain significance for Wilson disease. Last evaluated: 2022-01-07. Review status: criteria provided, single submitter. Criteria: ACMG Guidelines, 2015. Collection method: clinical testing. Allele origin: unknown.

GeneDx
Classification: Uncertain significance. Last evaluated: 2019-08-22. Review status: criteria provided, single submitter. Criteria: GeneDx Variant Classification Process June 2021. Collection method: clinical testing. Allele origin: germline. Affected: yes.
Comment: Not observed at a significant frequency in large population cohorts (Lek et al., 2016); In silico analysis, which includes protein predictors and evolutionary conservation, supports that this variant does not alter protein structure/function; Has not been previously published as pathogenic or benign to our knowledge